The following is an entry in ClinVar:

ClinVar aggregate classification (germline): Pathogenic (1 of 4 stars; one submission).

Submission:

ISCA Site 6
Classification: Pathogenic. Last evaluated: 2011-08-12. Review status: criteria provided, single submitter. Criteria: Kaminsky et al. (Genet Med. 2011). Collection method: clinical testing. Allele origin: unknown. Affected: yes. Observed: 1 variant allele.
Comment: Copy number variation identified through the course of routine clinical cytogenomic testing in postnatal populations. Clinical assertions have been curated as described in Kaminsky et al. 2011.

GRCh38/hg38 9q34.3(chr9:137640712-137892491)x3

Genes: CACNA1B (calcium voltage-gated channel subunit alpha1 B; plus strand), EHMT1 (euchromatic histone lysine methyltransferase 1; plus strand), MIR602 (microRNA 602; plus strand), LOC100133077 (uncharacterized LOC100133077; minus strand), LOC108281115 (9q34.3 EHMT1 distal recombination region; plus strand) and 18 more. Cytogenetic location: 9q34.3.
Variant type: copy number gain.
Change: copy number 3 (three copies instead of two) of chr9:137,640,712-137,892,491 (251.8 kb, GRCh38 coordinates, 1-based), cytogenetic band 9q34.3.
Identifiers: ClinVar variation 59944 (VCV000059944.2).